The following is an entry in ClinVar:

ClinVar aggregate classification (germline): Conflicting classifications of pathogenicity. Review status: criteria provided, conflicting classifications (1 of 4 stars). 3 submissions from 3 submitters: Uncertain significance (1); Likely benign (2). Last evaluated 2026-07-16.

Conditions:
Hereditary cancer-predisposing syndrome. Also called: Neoplastic Syndromes, Hereditary; Hereditary Cancer Syndrome; Tumor predisposition; Hereditary neoplastic syndrome. Identifiers: Orphanet 140162, MedGen C0027672, MeSH D009386, MONDO:0015356.
TSC1-related disorder. Also called: TSC1-related condition.
Tuberous sclerosis 1 (TSC1). Identifiers: Orphanet 805, MedGen C1854465, MONDO:0008612, OMIM 191100.

Allele frequency attached by ClinVar (database versions not stated): TOPMed below 0.00001; ExAC 0.00001; gnomAD 0.00001; gnomAD exomes 0.00001.
gnomAD v4.1: 13 of 1,614,014 alleles (0.00081%); highest among the groups gnomAD compares: Non-Finnish European, 0.0011%; no homozygotes.

Submissions (3):

PreventionGenetics, part of Exact Sciences
Classification: Uncertain significance for TSC1-related condition. Last evaluated: 2026-07-16. Review status: criteria provided, single submitter. Criteria: ACMG Guidelines, 2015. Collection method: clinical testing. Allele origin: germline.
Comment: The TSC1 c.1244C>T variant is predicted to result in the amino acid substitution p.Thr415Ile. To our knowledge, this variant has not been reported in the literature. This variant is reported in 0.0018% of alleles in individuals of European (Non-Finnish) descent in gnomAD and has conflicting interpretations in ClinVar ranging from likely benign to uncertain significance (Variation ID: 848377). At this time, the clinical significance of this variant is uncertain due to the absence of conclusive functional and genetic evidence.

Labcorp Genetics (formerly Invitae), Labcorp
Classification: Likely benign for Tuberous sclerosis 1. Last evaluated: 2025-10-15. Review status: criteria provided, single submitter. Criteria: Invitae Variant Classification Sherloc (09022015). Collection method: clinical testing. Allele origin: germline.

Ambry Genetics
Classification: Likely benign for Hereditary cancer-predisposing syndrome. Last evaluated: 2025-07-23. Review status: criteria provided, single submitter. Criteria: Ambry Variant Classification Scheme 2023. Collection method: clinical testing. Allele origin: germline.

NM_000368.5(TSC1):c.1244C>T (p.Thr415Ile)

Gene: TSC1 (TSC complex subunit 1; minus strand). Cytogenetic location: 9q34.13.
Variant type: single nucleotide variant.
Coding change: c.1244C>T on transcript NM_000368.5 (MANE Select); coding-DNA position 1244, C replaced by T.
Protein change: p.Thr415Ile; replaces threonine 415 with isoleucine.
Molecular consequence: missense variant.
Genome position (GRCh38, 1-based): chr9:132,910,590, G>A on the plus strand (C>T on the coding strand, the complement: TSC1 is on the minus strand). VCF-style: chr9-132910590-G-A. GRCh37 (hg19) VCF-style: chr9-135785977-G-A.
Other names: c.1241C>T, p.Thr414Ile (NM_001162426.2); c.1091C>T, p.Thr364Ile (NM_001162427.2); c.881C>T, p.Thr294Ile (NM_001362177.2); short protein forms T364I, T294I, T414I, T415I.
Identifiers: ClinVar variation 848377 (VCV000848377.16), dbSNP rs746550630, ClinGen allele CA027376.